The following is an entry in ClinVar:

ClinVar aggregate classification (germline): Uncertain significance (1 of 4 stars; one submission).

Conditions:
PHGDH deficiency. Identifiers: Orphanet 79351, MedGen C1866174, MONDO:0011152, OMIM 601815.

Allele frequency attached by ClinVar (database versions not stated): gnomAD exomes below 0.00001.
gnomAD v4.1: 2 of 1,590,934 alleles (0.00013%); highest among the groups gnomAD compares: Non-Finnish European, 0.000086%; no homozygotes.

Submission:

Labcorp Genetics (formerly Invitae), Labcorp
Classification: Uncertain significance for PHGDH deficiency. Last evaluated: 2022-08-22. Review status: criteria provided, single submitter. Criteria: Invitae Variant Classification Sherloc (09022015). Collection method: clinical testing. Allele origin: germline.
Comment: This sequence change replaces lysine, which is basic and polar, with glutamic acid, which is acidic and polar, at codon 351 of the PHGDH protein (p.Lys351Glu). This variant is not present in population databases (gnomAD no frequency). This variant has not been reported in the literature in individuals affected with PHGDH-related conditions. ClinVar contains an entry for this variant (Variation ID: 1519145). Algorithms developed to predict the effect of missense changes on protein structure and function (SIFT, PolyPhen-2, Align-GVGD) all suggest that this variant is likely to be tolerated. In summary, the available evidence is currently insufficient to determine the role of this variant in disease. Therefore, it has been classified as a Variant of Uncertain Significance.

NM_006623.4(PHGDH):c.1051A>G (p.Lys351Glu)

Gene: PHGDH (phosphoglycerate dehydrogenase; plus strand). Cytogenetic location: 1p12.
Variant type: single nucleotide variant.
Coding change: c.1051A>G on transcript NM_006623.4 (MANE Select); coding-DNA position 1051, A replaced by G.
Protein change: p.Lys351Glu; replaces lysine 351 with glutamic acid.
Molecular consequence: missense variant.
Genome position (GRCh38, 1-based): chr1:119,740,491, A>G. VCF-style: chr1-119740491-A-G. GRCh37 (hg19) VCF-style: chr1-120283114-A-G.
Other names: short protein forms K351E.
Identifiers: ClinVar variation 1519145 (VCV001519145.5), dbSNP rs1303930828, ClinGen allele CA341852541.